The following is an entry in ClinVar:

NM_002230.4(JUP):c.244G>A (p.Ala82Thr)

Gene: JUP (junction plakoglobin; minus strand). Cytogenetic location: 17q21.2.
Variant type: single nucleotide variant.
Coding change: c.244G>A on transcript NM_002230.4 (MANE Select); coding-DNA position 244, G replaced by A.
Protein change: p.Ala82Thr; replaces alanine 82 with threonine.
Molecular consequence: missense variant.
Genome position (GRCh38, 1-based): chr17:41,769,642, C>T on the plus strand (G>A on the coding strand, the complement: JUP is on the minus strand). VCF-style: chr17-41769642-C-T. GRCh37 (hg19) VCF-style: chr17-39925894-C-T.
Other names: c.244G>A, p.Ala82Thr (NM_001352773.2, NM_001352774.2, NM_001352775.2 and 3 more transcripts); short protein forms A82T.
Identifiers: ClinVar variation 4790207 (VCV004790207.1).

ClinVar aggregate classification (germline): Uncertain significance (1 of 4 stars; one submission).

Conditions:
Arrhythmogenic right ventricular dysplasia 12. Also called: ARRHYTHMOGENIC RIGHT VENTRICULAR DYSPLASIA, FAMILIAL, 12. Identifiers: MedGen C1969081, MONDO:0012684, OMIM 611528.
Naxos disease (NXD). Also called: CARDIOMYOPATHY, ARRHYTHMOGENIC RIGHT VENTRICULAR, WITH SKIN, HAIR, AND NAIL ABNORMALITIES; KERATOSIS PALMOPLANTARIS WITH ARRHYTHMOGENIC CARDIOMYOPATHY; MAL DE NAXOS; PALMOPLANTAR KERATODERMA WITH ARRHYTHMOGENIC RIGHT VENTRICULAR CARDIOMYOPATHY AND WOOLLY HAIR; WOOLLY HAIR, PALMOPLANTAR KERATODERMA, AND CARDIAC ABNORMALITIES. Identifiers: Orphanet 34217, MedGen C1832600, MONDO:0011017, OMIM 601214.

Submission:

Labcorp Genetics (formerly Invitae), Labcorp
Classification: Uncertain significance for Arrhythmogenic right ventricular dysplasia 12; Naxos disease. Last evaluated: 2025-10-07. Review status: criteria provided, single submitter. Criteria: Invitae Variant Classification Sherloc (09022015). Collection method: clinical testing. Allele origin: germline.
Comment: This sequence change replaces alanine, which is neutral and non-polar, with threonine, which is neutral and polar, at codon 82 of the JUP protein (p.Ala82Thr). This variant is not present in population databases (gnomAD no frequency). This variant has not been reported in the literature in individuals affected with JUP-related conditions. An algorithm developed to predict the effect of missense changes on protein structure and function (PolyPhen-2) suggests that this variant is likely to be tolerated. In summary, the available evidence is currently insufficient to determine the role of this variant in disease. Therefore, it has been classified as a Variant of Uncertain Significance.